The following is an entry in ClinVar:

NM_020812.4(DOCK6):c.1707C>A (p.Asn569Lys)

Gene: DOCK6 (dedicator of cytokinesis 6; minus strand). Cytogenetic location: 19p13.2.
Variant type: single nucleotide variant.
Coding change: c.1707C>A on transcript NM_020812.4 (MANE Select); coding-DNA position 1707, C replaced by A.
Protein change: p.Asn569Lys; replaces asparagine 569 with lysine.
Molecular consequence: missense variant.
Genome position (GRCh38, 1-based): chr19:11,238,241, G>T on the plus strand (C>A on the coding strand, the complement: DOCK6 is on the minus strand). VCF-style: chr19-11238241-G-T. GRCh37 (hg19) VCF-style: chr19-11348917-G-T.
Other names: c.1707C>A, p.Asn569Lys (NM_001367830.1); short protein forms N569K.
Identifiers: ClinVar variation 5005919 (VCV005005919.2).
Genomic context (GRCh38, chr19:11,238,241, plus strand): 5'-ACTGACCGGCAGAGCCTGGCTGGGGTCCTCGCCTGTCATGTACTGCACTCGCACAGCAAG[G>T]TTGCGCACGGAGCCCTGGCGGCTGCTGAAGTTGAGGCTGTGCGGGTACACGTACAGCAGG-3'
Protein context (NP_065863.2, residues 559-579): NFSSRQGSVR[Asn569Lys]LAVRVQYMTG

ClinVar aggregate classification (germline): Uncertain significance (1 of 4 stars; one submission).

Conditions:
Adams-Oliver syndrome 2 (AOS2). Identifiers: Orphanet 974, MedGen C3280182, MONDO:0013635, OMIM 614219.

gnomAD v4.1: 7 of 1,613,362 alleles (0.00043%); highest among the groups gnomAD compares: Non-Finnish European, 0.00051%; no homozygotes.

Submission:

Juno Genomics, Hangzhou Juno Genomics, Inc
Classification: Uncertain significance for Adams-Oliver syndrome 2. Review status: criteria provided, single submitter. Criteria: ACMG Guidelines, 2015. Collection method: clinical testing. Allele origin: germline.
Comment: Absent from controls (or at extremely low frequency if recessive) in Genome Aggregation Database.